The following is an entry in ClinVar:

NM_201384.3(PLEC):c.2633C>T (p.Ala878Val)

Gene: PLEC (plectin; minus strand). Cytogenetic location: 8q24.3.
Variant type: single nucleotide variant.
Coding change: c.2633C>T on transcript NM_201384.3 (MANE Select); coding-DNA position 2633, C replaced by T.
Protein change: p.Ala878Val; replaces alanine 878 with valine.
Molecular consequence: missense variant.
Genome position (GRCh38, 1-based): chr8:143,930,042, G>A on the plus strand (C>T on the coding strand, the complement: PLEC is on the minus strand). VCF-style: chr8-143930042-G-A. GRCh37 (hg19) VCF-style: chr8-145004210-G-A.
Other names: c.2645C>T, p.Ala882Val (NM_201383.3); c.2714C>T, p.Ala905Val (NM_000445.5, NM_001410941.1); c.2591C>T, p.Ala864Val (NM_201378.4); c.2567C>T, p.Ala856Val (NM_201379.3); c.3044C>T, p.Ala1015Val (NM_201380.4); c.2537C>T, p.Ala846Val (NM_201381.3); c.2633C>T, p.Ala878Val (NM_201382.4); short protein forms A1015V, A856V, A846V, A864V, A882V, A878V, A905V.
Identifiers: ClinVar variation 2937986 (VCV002937986.3), dbSNP rs1199627981, ClinGen allele CA372573442.
Genomic context (GRCh38, chr8:143,930,042, plus strand): 5'-CTCTGCCAGGCCAGAAGGCTCTTCATGTCCACGTGCAACTGGTGCCACAGCGTGACCAGG[G>A]CCTGGTGCTGGGCCTCCAGCCTGGCAGGTCAGGGCTACAGTCAGCGTCACCAGCGCCCCA-3'
Protein context (NP_958786.1, residues 868-888): AVTRLEAQHQ[Ala878Val]LVTLWHQLHV

ClinVar aggregate classification (germline): Uncertain significance (1 of 4 stars; one submission).

Conditions:
Epidermolysis bullosa simplex with nail dystrophy (EBS5D). Identifiers: MedGen C4225309, MONDO:0014661, OMIM 616487.
Epidermolysis bullosa simplex 5C, with pyloric atresia (EBS5C). Also called: PLEC-Related Epidermolysis Bullosa with Pyloric Atresia; Epidermolysis bullosa simplex with pyloric atresia; PLEC1-Related Epidermolysis Bullosa with Pyloric Atresia. Identifiers: Orphanet 158684, MedGen C2677349, MONDO:0012807, OMIM 612138.
Autosomal recessive limb-girdle muscular dystrophy type 2Q (LGMDR17). Also called: MUSCULAR DYSTROPHY, LIMB-GIRDLE, AUTOSOMAL RECESSIVE 17. Identifiers: Orphanet 254361, MedGen C3150989, MONDO:0013390, OMIM 613723.
Epidermolysis bullosa simplex, Ogna type (EBS5A). Also called: Pidermolysis bullosa simplex 5A, Ogna type; EPIDERMOLYSIS BULLOSA SIMPLEX 5A, OGNA TYPE. Identifiers: Orphanet 79401, MedGen C0432317, MONDO:0007555, OMIM 131950.
Epidermolysis bullosa simplex 5B, with muscular dystrophy (EBS5B). Also called: EPIDERMOLYSIS BULLOSA SIMPLEX AND LIMB-GIRDLE MUSCULAR DYSTROPHY; Epidermolysis bullosa simplex with muscular dystrophy. Identifiers: Orphanet 257, MedGen C2931072, MONDO:0009181, OMIM 226670.

Allele frequency attached by ClinVar (database versions not stated): gnomAD exomes below 0.00001; TOPMed 0.00002.
gnomAD v4.1: 2 of 1,611,630 alleles (0.00012%); highest among the groups gnomAD compares: Admixed American, 0.0017%; no homozygotes.

Submission:

Labcorp Genetics (formerly Invitae), Labcorp
Classification: Uncertain significance for Autosomal recessive limb-girdle muscular dystrophy type 2Q; Epidermolysis bullosa simplex, Ogna type; Epidermolysis bullosa simplex with nail dystrophy; Epidermolysis bullosa simplex 5C, with pyloric atresia; Epidermolysis bullosa simplex 5B, with muscular dystrophy. Last evaluated: 2024-01-11. Review status: criteria provided, single submitter. Criteria: Invitae Variant Classification Sherloc (09022015). Collection method: clinical testing. Allele origin: germline.
Comment: This sequence change replaces alanine, which is neutral and non-polar, with valine, which is neutral and non-polar, at codon 905 of the PLEC protein (p.Ala905Val). The frequency data for this variant in the population databases is considered unreliable, as metrics indicate poor data quality at this position in the gnomAD database. This variant has not been reported in the literature in individuals affected with PLEC-related conditions. Advanced modeling of protein sequence and biophysical properties (such as structural, functional, and spatial information, amino acid conservation, physicochemical variation, residue mobility, and thermodynamic stability) performed at Invitae indicates that this missense variant is not expected to disrupt PLEC protein function with a negative predictive value of 80%. In summary, the available evidence is currently insufficient to determine the role of this variant in disease. Therefore, it has been classified as a Variant of Uncertain Significance.